The following is an entry in ClinVar:

NM_000287.4(PEX6):c.2237dup (p.Gly747fs)

Gene: PEX6 (peroxisomal biogenesis factor 6; minus strand). Cytogenetic location: 6p21.1.
Variant type: Duplication.
Coding change: c.2237dup on transcript NM_000287.4 (MANE Select); coding-DNA position 2237, one base duplicated (C; older notation c.2237dupC).
Protein change: p.Gly747fs; shifts the reading frame from glycine 747.
Molecular consequence: frameshift variant.
Genome position (GRCh38, 1-based): chr6:42,966,305, G duplicated on the plus strand (C on the coding strand, the reverse complement: PEX6 is on the minus strand); the first of 5 consecutive G bases (chr6:42,966,305-42,966,309); duplicating any one gives the same sequence. VCF-style (leftmost placement, unchanged base first): chr6-42966304-A-AG. GRCh37 (hg19) VCF-style: chr6-42934042-A-AG.
Other names: c.1973dup, p.Gly659fs (NM_001316313.2); short protein forms G659fs, G747fs.
Identifiers: ClinVar variation 5011677 (VCV005011677.1).

ClinVar aggregate classification (germline): Pathogenic (1 of 4 stars; one submission).

Conditions:
Peroxisome biogenesis disorder. Identifiers: Orphanet 79189, MedGen C1832200, MONDO:0019234. Disease mechanism: loss of function.

Submission:

Myriad Genetics, Inc.
Classification: Pathogenic for Peroxisome biogenesis disorder. Last evaluated: 2023-09-15. Review status: criteria provided, single submitter. Criteria: Myriad Autosomal Dominant, Autosomal Recessive and X-Linked Classification Criteria (2023). Collection method: clinical testing. Allele origin: unknown.
Comment: NM_000287.3(PEX6):c.2237dupC(G747Wfs*14) is expected to be pathogenic in the context of peroxisome biogenesis disorder type 4. This variant is predicted to lead to an abnormal or absent protein product due to the creation of a premature termination codon in PEX6, a gene where loss-of-function variants are known to be pathogenic. Please note: this variant was assessed in the context of healthy population screening.